The following is an entry in ClinVar:

ClinVar aggregate classification (germline): Uncertain significance (1 of 4 stars; one submission).

Submission:

Labcorp Genetics (formerly Invitae), Labcorp
Classification: Uncertain significance. Last evaluated: 2021-12-06. Review status: criteria provided, single submitter. Criteria: Invitae Variant Classification Sherloc (09022015). Collection method: clinical testing. Allele origin: germline.
Comment: This variant, c.4466_4471del, results in the deletion of 2 amino acid(s) of the POLE protein (p.Leu1489_Tyr1490del), but otherwise preserves the integrity of the reading frame. This variant is not present in population databases (gnomAD no frequency). This variant has not been reported in the literature in individuals affected with POLE-related conditions. Experimental studies and prediction algorithms are not available or were not evaluated, and the functional significance of this variant is currently unknown. In summary, the available evidence is currently insufficient to determine the role of this variant in disease. Therefore, it has been classified as a Variant of Uncertain Significance.

NM_006231.4(POLE):c.4466_4471del (p.Leu1489_Tyr1490del)

Gene: POLE (DNA polymerase epsilon, catalytic subunit; minus strand). Cytogenetic location: 12q24.33.
Variant type: Deletion.
Coding change: c.4466_4471del on transcript NM_006231.4 (MANE Select); coding-DNA positions 4466 to 4471, 6 bases deleted (TGTACC; older notation c.4466_4471delTGTACC).
Protein change: p.Leu1489_Tyr1490del.
Molecular consequence: inframe deletion.
Genome position (GRCh38, 1-based): chr12:132,643,304-132,643,309, GGTACA deleted on the plus strand (TGTACC on the coding strand, the reverse complement: POLE is on the minus strand); deleting any 6 consecutive bases within chr12:132,643,304-132,643,313 gives the same sequence; the c. name uses the placement nearest the transcript's 3' end. VCF-style (leftmost placement, unchanged base first): chr12-132643303-TGGTACA-T. GRCh37 (hg19) VCF-style: chr12-133219889-TGGTACA-T.
Identifiers: ClinVar variation 1427181 (VCV001427181.6), dbSNP rs2138547300, ClinGen allele CA2573148326.